The following is an entry in ClinVar:

NM_021815.5(SLC5A7):c.1708_*45delinsATCAACCAGAACC (p.Pro570fs)

Gene: SLC5A7 (solute carrier family 5 member 7; plus strand). Cytogenetic location: 2q12.3.
Variant type: Indel.
Coding change: c.1708_*45delinsATCAACCAGAACC on transcript NM_021815.5 (MANE Select); coding-DNA position 1708 through 45 bases downstream of the stop codon, the reference bases replaced by ATCAACCAGAACC.
Protein change: p.Pro570fs; shifts the reading frame from proline 570.
Molecular consequence: frameshift variant.
Genome position (GRCh38, 1-based): chr2:108,010,826-108,010,906, 81 bases replaced. GRCh37 (hg19): chr2:108,627,282-108,627,362.
Other names: c.1708_*45delinsATCAACCAGAACC, p.Pro570fs (NM_001305005.3); c.1393_*45delinsATCAACCAGAACC, p.Pro465fs (NM_001305006.3); c.967_*45delinsATCAACCAGAACC, p.Pro323fs (NM_001305007.3); short protein forms P323fs, P465fs, P570fs.
Identifiers: ClinVar variation 2134508 (VCV002134508.4), dbSNP rs2467135636, ClinGen allele CA2580063723.

ClinVar aggregate classification (germline): Uncertain significance (1 of 4 stars; one submission).

Conditions:
Congenital myasthenic syndrome 20. Also called: Myasthenic syndrome, congenital, 20, presynaptic. Identifiers: MedGen C4310694, MONDO:0014939, OMIM 617143.
Neuronopathy, distal hereditary motor, type 7A. Also called: HARPER-YOUNG MYOPATHY; HMN VIIA; Neuronopathy, distal hereditary motor, type viia; NEURONOPATHY, DISTAL HEREDITARY MOTOR, HARDING TYPE VIIA; NEUROPATHY, DISTAL HEREDITARY MOTOR, HARDING TYPE VIIA; Neuronopathy, distal hereditary motor, autosomal dominant 7. Identifiers: Orphanet 139589, MedGen C1834703, MONDO:0008024, OMIM 158580.

Submission:

Labcorp Genetics (formerly Invitae), Labcorp
Classification: Uncertain significance for Neuronopathy, distal hereditary motor, type 7A; Congenital myasthenic syndrome 20. Last evaluated: 2024-08-29. Review status: criteria provided, single submitter. Criteria: Invitae Variant Classification Sherloc (09022015). Collection method: clinical testing. Allele origin: germline.
Comment: This sequence change results in a frameshift in the SLC5A7 gene (p.Pro570Ilefs*43). While this is not anticipated to result in nonsense mediated decay, it is expected to disrupt the last 11 amino acid(s) of the SLC5A7 protein and extend the protein by 31 additional amino acid residues. This variant is not present in population databases (gnomAD no frequency). This variant has not been reported in the literature in individuals affected with SLC5A7-related conditions. Experimental studies and prediction algorithms are not available or were not evaluated, and the functional significance of this variant is currently unknown. In summary, the available evidence is currently insufficient to determine the role of this variant in disease. Therefore, it has been classified as a Variant of Uncertain Significance.